The following is an entry in ClinVar:

NM_024741.3(ZNF408):c.1086C>G (p.Phe362Leu)

Gene: ZNF408 (zinc finger protein 408; plus strand). Cytogenetic location: 11p11.2.
Variant type: single nucleotide variant.
Coding change: c.1086C>G on transcript NM_024741.3 (MANE Select); coding-DNA position 1086, C replaced by G.
Protein change: p.Phe362Leu; replaces phenylalanine 362 with leucine.
Molecular consequence: missense variant.
Genome position (GRCh38, 1-based): chr11:46,704,786, C>G. VCF-style: chr11-46704786-C-G. GRCh37 (hg19) VCF-style: chr11-46726336-C-G.
Other names: c.1062C>G, p.Phe354Leu (NM_001184751.2); short protein forms F354L, F362L.
Identifiers: ClinVar variation 1499322 (VCV001499322.6), dbSNP rs779395115, ClinGen allele CA5966492.

ClinVar aggregate classification (germline): Uncertain significance (1 of 4 stars; one submission).

Allele frequency attached by ClinVar (database versions not stated): ExAC 0.00001.

Submission:

Labcorp Genetics (formerly Invitae), Labcorp
Classification: Uncertain significance. Last evaluated: 2022-09-07. Review status: criteria provided, single submitter. Criteria: Invitae Variant Classification Sherloc (09022015). Collection method: clinical testing. Allele origin: germline.
Comment: In summary, the available evidence is currently insufficient to determine the role of this variant in disease. Therefore, it has been classified as a Variant of Uncertain Significance. Algorithms developed to predict the effect of missense changes on protein structure and function are either unavailable or do not agree on the potential impact of this missense change (SIFT: "Deleterious"; PolyPhen-2: "Probably Damaging"; Align-GVGD: "Class C15"). ClinVar contains an entry for this variant (Variation ID: 1499322). This variant has not been reported in the literature in individuals affected with ZNF408-related conditions. This variant is present in population databases (rs779395115, gnomAD 0.004%). This sequence change replaces phenylalanine, which is neutral and non-polar, with leucine, which is neutral and non-polar, at codon 362 of the ZNF408 protein (p.Phe362Leu).